The following is an entry in ClinVar:

NM_003119.4(SPG7):c.1568A>G (p.Asn523Ser)

Gene: SPG7 (SPG7 matrix AAA peptidase subunit, paraplegin; plus strand). Cytogenetic location: 16q24.3.
Variant type: single nucleotide variant.
Coding change: c.1568A>G on transcript NM_003119.4 (MANE Select); coding-DNA position 1568, A replaced by G.
Protein change: p.Asn523Ser; replaces asparagine 523 with serine.
Molecular consequence: missense variant.
Genome position (GRCh38, 1-based): chr16:89,548,018, A>G. VCF-style: chr16-89548018-A-G. GRCh37 (hg19) VCF-style: chr16-89614426-A-G.
Other names: c.1568A>G, p.Asn523Ser (NM_001363850.1); short protein forms N523S.
Identifiers: ClinVar variation 4703974 (VCV004703974.1).

ClinVar aggregate classification (germline): Uncertain significance (1 of 4 stars; one submission).

Conditions:
Hereditary spastic paraplegia 7 (SPG7). Also called: SPASTIC PARAPLEGIA 7, AUTOSOMAL RECESSIVE, WITH OR WITHOUT CEREBELLAR ATAXIA; SPG7-related neurologic disorder; Spastic paraplegia 7; Hereditary spastic paraplegia Paraplegin type; Autosomal recessive spastic paraplegia type 7. Identifiers: Orphanet 99013, MedGen C1846564, MONDO:0011803, OMIM 607259.

gnomAD v4.1: 3 of 1,612,976 alleles (0.00019%); highest among the groups gnomAD compares: East Asian, 0.0045%; no homozygotes.

Submission:

Labcorp Genetics (formerly Invitae), Labcorp
Classification: Uncertain significance for Hereditary spastic paraplegia 7. Last evaluated: 2025-06-17. Review status: criteria provided, single submitter. Criteria: Invitae Variant Classification Sherloc (09022015). Collection method: clinical testing. Allele origin: germline.
Comment: This sequence change replaces asparagine, which is neutral and polar, with serine, which is neutral and polar, at codon 523 of the SPG7 protein (p.Asn523Ser). This variant is present in population databases (no rsID available, gnomAD 0.006%). This variant has not been reported in the literature in individuals affected with SPG7-related conditions. Invitae Evidence Modeling of protein sequence and biophysical properties (such as structural, functional, and spatial information, amino acid conservation, physicochemical variation, residue mobility, and thermodynamic stability) indicates that this missense variant is not expected to disrupt SPG7 protein function with a negative predictive value of 80%. In summary, the available evidence is currently insufficient to determine the role of this variant in disease. Therefore, it has been classified as a Variant of Uncertain Significance.